The following is an entry in ClinVar:

NM_024079.5(ALG8):c.675T>C (p.Asp225=)

Gene: ALG8 (ALG8 alpha-1,3-glucosyltransferase; minus strand). Cytogenetic location: 11q14.1.
Variant type: single nucleotide variant.
Coding change: c.675T>C on transcript NM_024079.5 (MANE Select); coding-DNA position 675, T replaced by C.
Protein change: p.Asp225=; no amino-acid change (aspartic acid 225 retained).
Molecular consequence: synonymous variant.
Genome position (GRCh38, 1-based): chr11:78,113,988, A>G on the plus strand (T>C on the coding strand, the complement: ALG8 is on the minus strand). VCF-style: chr11-78113988-A-G. GRCh37 (hg19) VCF-style: chr11-77825034-A-G.
Other names: c.675T>C, p.Asp225= (NM_001007027.3).
Identifiers: ClinVar variation 306220 (VCV000306220.19), dbSNP rs139106381, ClinGen allele CA6203372.

ClinVar aggregate classification (germline): Conflicting classifications of pathogenicity. Review status: criteria provided, conflicting classifications (1 of 4 stars). 4 submissions from 4 submitters: Uncertain significance (1); Benign (1); Likely benign (1). 1 of the submissions does not count toward it. Last evaluated 2025-12-13.

Conditions:
ALG8-related disorder.
ALG8 congenital disorder of glycosylation. Also called: CONGENITAL DISORDER OF GLYCOSYLATION, TYPE Ih; CDG Ih; ALG8-CDG. Identifiers: Orphanet 79325, MedGen C2931002, MONDO:0011969, OMIM 608104.

Allele frequency attached by ClinVar (database versions not stated): gnomAD exomes 0.00114 and 0.00196; gnomAD 0.00124 and 0.00138; TOPMed 0.00138; ESP Exome Variant Server 0.00154; ExAC 0.00160.
gnomAD v4.1: 2,992 of 1,598,082 alleles (0.19%); highest among the groups gnomAD compares: Non-Finnish European, 0.24%; 3 homozygotes.

Submissions (4):

Labcorp Genetics (formerly Invitae), Labcorp
Classification: Benign for ALG8 congenital disorder of glycosylation. Last evaluated: 2025-12-13. Review status: criteria provided, single submitter. Criteria: Invitae Variant Classification Sherloc (09022015). Collection method: clinical testing. Allele origin: germline.

ARUP Laboratories, Molecular Genetics and Genomics, ARUP Laboratories
Classification: Likely benign. Last evaluated: 2024-10-14. Review status: criteria provided, single submitter. Criteria: ARUP Molecular Germline Variant Investigation Process 2024. Collection method: clinical testing. Allele origin: germline.

Illumina Laboratory Services, Illumina
Classification: Uncertain significance for ALG8 congenital disorder of glycosylation. Last evaluated: 2018-01-12. Review status: criteria provided, single submitter. Criteria: ICSL Variant Classification Criteria 13 December 2019. Collection method: clinical testing. Allele origin: germline.

PreventionGenetics, part of Exact Sciences
Classification: Likely benign for ALG8-related condition. Last evaluated: 2020-04-24. Review status: no assertion criteria provided. Collection method: clinical testing. Allele origin: germline. Not counted in ClinVar's aggregate classification.
Comment: This variant is classified as likely benign based on ACMG/AMP sequence variant interpretation guidelines (Richards et al. 2015 PMID: 25741868, with internal and published modifications).